The following is an entry in ClinVar:

ClinVar aggregate classification (germline): Uncertain significance (1 of 4 stars; one submission).

Conditions:
Inborn genetic diseases. Identifiers: MedGen C0950123, MeSH D030342.

Submission:

Ambry Genetics
Classification: Uncertain significance for Inborn genetic diseases. Last evaluated: 2026-03-29. Review status: criteria provided, single submitter. Criteria: Ambry Variant Classification Scheme 2023. Collection method: clinical testing. Allele origin: germline.
Comment: The p.K1343N variant (also known as c.4029G>C), located in coding exon 1 of the SAMD9 gene, results from a G to C substitution at nucleotide position 4029. The lysine at codon 1343 is replaced by asparagine, an amino acid with similar properties. This amino acid position is conserved. In addition, this alteration is predicted to be tolerated by in silico analysis. Based on the available evidence, the clinical significance of this variant remains unclear.

NM_017654.4(SAMD9):c.4029G>C (p.Lys1343Asn)

Gene: SAMD9 (sterile alpha motif domain containing 9; minus strand). Cytogenetic location: 7q21.2.
Variant type: single nucleotide variant.
Coding change: c.4029G>C on transcript NM_017654.4 (MANE Select); coding-DNA position 4029, G replaced by C.
Protein change: p.Lys1343Asn; replaces lysine 1343 with asparagine.
Molecular consequence: missense variant.
Genome position (GRCh38, 1-based): chr7:93,102,069, C>G on the plus strand (G>C on the coding strand, the complement: SAMD9 is on the minus strand). VCF-style: chr7-93102069-C-G. GRCh37 (hg19) VCF-style: chr7-92731382-C-G.
Other names: c.4029G>C, p.Lys1343Asn (NM_001193307.2); short protein forms K1343N.
Identifiers: ClinVar variation 4863780 (VCV004863780.1).